The following is an entry in ClinVar:

ClinVar aggregate classification (germline): Conflicting classifications of pathogenicity. Review status: criteria provided, conflicting classifications (1 of 4 stars). 6 submissions from 6 submitters: Uncertain significance (2); Benign (1); Likely benign (2). 1 of the submissions does not count toward it. Last evaluated 2025-10-01.

Conditions:
RHBDF2-related disorder. Also called: RHBDF2-related condition.
Inborn genetic diseases. Identifiers: MedGen C0950123, MeSH D030342.
Palmoplantar keratoderma-esophageal carcinoma syndrome (TOC). Also called: Tylosis with Esophageal Cancer; PALMOPLANTAR KERATODERMA WITH ESOPHAGEAL CANCER; KERATOSIS PALMARIS ET PLANTARIS WITH ESOPHAGEAL CANCER. Identifiers: Orphanet 2198, MedGen C1835664, MONDO:0007856, OMIM 148500.

Allele frequency attached by ClinVar (database versions not stated): 1000 Genomes Project 30x 0.00016; 1000 Genomes Project 0.00020; TOPMed 0.00044; gnomAD 0.00046 and 0.00048; ExAC 0.00049; gnomAD exomes 0.00052 and 0.00071; ESP Exome Variant Server 0.00069.
gnomAD v4.1: 1,079 of 1,591,040 alleles (0.068%); highest among the groups gnomAD compares: Middle Eastern, 0.15%; 3 homozygotes.

Submissions (6):

Labcorp Genetics (formerly Invitae), Labcorp
Classification: Likely benign. Last evaluated: 2025-10-01. Review status: criteria provided, single submitter. Criteria: Invitae Variant Classification Sherloc (09022015). Collection method: clinical testing. Allele origin: germline.

KCCC/NGS Laboratory, Kuwait Cancer Control Center
Classification: Likely benign for Palmoplantar keratoderma-esophageal carcinoma syndrome. Last evaluated: 2023-07-07. Review status: criteria provided, single submitter. Criteria: ACMG Guidelines, 2015. Collection method: clinical testing. Allele origin: germline. Affected: yes.

Institute for Clinical Genetics, University Hospital TU Dresden, University Hospital TU Dresden
Classification: Uncertain significance. Last evaluated: 2021-11-03. Review status: criteria provided, single submitter. Criteria: ACMG Guidelines, 2015. Collection method: clinical testing. Allele origin: germline.

Ambry Genetics
Classification: Uncertain significance for Inborn genetic diseases. Last evaluated: 2021-08-10. Review status: criteria provided, single submitter. Criteria: Ambry Variant Classification Scheme 2023. Collection method: clinical testing. Allele origin: germline.

Illumina Laboratory Services, Illumina
Classification: Benign for Palmoplantar keratoderma-esophageal carcinoma syndrome. Last evaluated: 2018-01-13. Review status: criteria provided, single submitter. Criteria: ICSL Variant Classification Criteria 13 December 2019. Collection method: clinical testing. Allele origin: germline.
Comment: This variant was observed in the ICSL laboratory as part of a predisposition screen in an ostensibly healthy population. It had not been previously curated by ICSL or reported in the Human Gene Mutation Database (HGMD: prior to June 1st, 2018), and was therefore a candidate for classification through an automated scoring system. Utilizing variant allele frequency, disease prevalence and penetrance estimates, and inheritance mode, an automated score was calculated to assess if this variant is too frequent to cause the disease. Based on the score and internal cut-off values, a variant classified as benign is not then subjected to further curation. The score for this variant resulted in a classification of benign for this disease.

PreventionGenetics, part of Exact Sciences
Classification: Likely benign for RHBDF2-related condition. Last evaluated: 2023-04-04. Review status: no assertion criteria provided. Collection method: clinical testing. Allele origin: germline. Not counted in ClinVar's aggregate classification.
Comment: This variant is classified as likely benign based on ACMG/AMP sequence variant interpretation guidelines (Richards et al. 2015 PMID: 25741868, with internal and published modifications).

NM_001005498.4(RHBDF2):c.1486A>G (p.Lys496Glu)

Gene: RHBDF2 (rhomboid 5 homolog 2; minus strand). Cytogenetic location: 17q25.1.
Variant type: single nucleotide variant.
Coding change: c.1486A>G on transcript NM_001005498.4 (MANE Select); coding-DNA position 1486, A replaced by G.
Protein change: p.Lys496Glu; replaces lysine 496 with glutamic acid.
Molecular consequence: missense variant. On other transcripts: non-coding transcript variant (3).
Genome position (GRCh38, 1-based): chr17:76,474,121, T>C on the plus strand (A>G on the coding strand, the complement: RHBDF2 is on the minus strand). VCF-style: chr17-76474121-T-C. GRCh37 (hg19) VCF-style: chr17-74470203-T-C.
Other names: c.1486A>G, p.Lys496Glu (NM_001376228.1, NM_001376229.1, NM_001376230.1); c.1573A>G, p.Lys525Glu (NM_024599.5); short protein forms K525E, K496E.
Identifiers: ClinVar variation 325437 (VCV000325437.17), dbSNP rs150723002, ClinGen allele CA8786970.
Genomic context (GRCh38, chr17:76,474,121, plus strand): 5'-AAGTCCGCTTCTGGCCCAGATCAGACTTGTCCATGGGGGGCCCAGTGTCATCCTGCCACT[T>C]GACAAAAGTGGCCAAAGTCTCCTGGAGGGCAGAAGAAGGCTGGTGGGTCATGTCGGGGCC-3'
Protein context (NP_001005498.2, residues 486-506): DCSETLATFV[Lys496Glu]WQDDTGPPMD